The following is an entry in ClinVar:

ClinVar aggregate classification (germline): Uncertain significance (1 of 4 stars; one submission).

Allele frequency attached by ClinVar (database versions not stated): gnomAD 0.00001; ExAC 0.00002.

Submission:

Labcorp Genetics (formerly Invitae), Labcorp
Classification: Uncertain significance. Last evaluated: 2021-12-24. Review status: criteria provided, single submitter. Criteria: Invitae Variant Classification Sherloc (09022015). Collection method: clinical testing. Allele origin: germline.
Comment: This sequence change replaces aspartic acid, which is acidic and polar, with asparagine, which is neutral and polar, at codon 189 of the HACE1 protein (p.Asp189Asn). This variant is present in population databases (rs771923611, gnomAD 0.01%). This variant has not been reported in the literature in individuals affected with HACE1-related conditions. Algorithms developed to predict the effect of missense changes on protein structure and function are either unavailable or do not agree on the potential impact of this missense change (SIFT: "Deleterious"; PolyPhen-2: "Possibly Damaging"; Align-GVGD: "Class C15"). In summary, the available evidence is currently insufficient to determine the role of this variant in disease. Therefore, it has been classified as a Variant of Uncertain Significance.

NM_020771.4(HACE1):c.565G>A (p.Asp189Asn)

Gene: HACE1 (HECT domain and ankyrin repeat containing E3 ubiquitin protein ligase 1; minus strand). Cytogenetic location: 6q16.3.
Variant type: single nucleotide variant.
Coding change: c.565G>A on transcript NM_020771.4 (MANE Select); coding-DNA position 565, G replaced by A.
Protein change: p.Asp189Asn; replaces aspartic acid 189 with asparagine.
Molecular consequence: missense variant. On other transcripts: 5 prime UTR variant (1), non-coding transcript variant (5), intron variant (5).
Genome position (GRCh38, 1-based): chr6:104,811,363, C>T on the plus strand (G>A on the coding strand, the complement: HACE1 is on the minus strand). VCF-style: chr6-104811363-C-T. GRCh37 (hg19) VCF-style: chr6-105259238-C-T.
Other names: c.433G>A, p.Asp145Asn (NM_001321080.2); c.463G>A, p.Asp155Asn (NM_001321083.2); c.331G>A, p.Asp111Asn (NM_001350554.2); c.79G>A, p.Asp27Asn (NM_001350556.2); c.-219G>A (NM_001350560.2); c.327-14338G>A (NM_001350555.2); c.114-14338G>A (NM_001350557.2, NM_001350558.2, NM_001321084.2); c.36-14338G>A (NM_001350559.2); short protein forms D27N, D145N, D155N, D111N, D189N.
Identifiers: ClinVar variation 1961480 (VCV001961480.2), dbSNP rs771923611, ClinGen allele CA3940517.